The following is an entry in ClinVar:

NM_000548.5(TSC2):c.649-12C>A

Gene: TSC2 (TSC complex subunit 2; plus strand). Cytogenetic location: 16p13.3.
Variant type: single nucleotide variant.
Coding change: c.649-12C>A on transcript NM_000548.5 (MANE Select); 12 bases into the intron before coding-DNA position 649, C replaced by A.
Molecular consequence: intron variant.
Genome position (GRCh38, 1-based): chr16:2,056,632, C>A. VCF-style: chr16-2056632-C-A. GRCh37 (hg19) VCF-style: chr16-2106633-C-A.
Other names: c.649-12C>A (NM_001114382.3, NM_021055.3, NM_001370405.1 and 3 more transcripts); c.538-12C>A (NM_001318827.2); c.49-12C>A (NM_001318831.2); c.502-12C>A (NM_001318829.2); c.682-12C>A (NM_001318832.2).
Identifiers: ClinVar variation 668270 (VCV000668270.1), dbSNP rs1596277751, ClinGen allele CA915946221.

ClinVar aggregate classification (germline): Likely benign (1 of 4 stars; one submission).

Submission:

GeneDx
Classification: Likely benign. Last evaluated: 2018-05-07. Review status: criteria provided, single submitter. Criteria: GeneDx Variant Classification (06012015). Collection method: clinical testing. Allele origin: germline. Affected: yes.
Comment: This variant is considered likely benign or benign based on one or more of the following criteria: it is a conservative change, it occurs at a poorly conserved position in the protein, it is predicted to be benign by multiple in silico algorithms, and/or has population frequency not consistent with disease.